The following is an entry in ClinVar:

NM_152594.3(SPRED1):c.721G>C (p.Asp241His)

Gene: SPRED1 (sprouty related EVH1 domain containing 1; plus strand). Cytogenetic location: 15q14.
Variant type: single nucleotide variant.
Coding change: c.721G>C on transcript NM_152594.3 (MANE Select); coding-DNA position 721, G replaced by C.
Protein change: p.Asp241His; replaces aspartic acid 241 with histidine.
Molecular consequence: missense variant.
Genome position (GRCh38, 1-based): chr15:38,351,050, G>C. VCF-style: chr15-38351050-G-C. GRCh37 (hg19) VCF-style: chr15-38643251-G-C.
Other names: short protein forms D241H.
Identifiers: ClinVar variation 3169363 (VCV003169363.2), dbSNP rs1888472164, ClinGen allele CA391933089.
Genomic context (GRCh38, chr15:38,351,050, plus strand): 5'-AGTTTTTATCTGTTTCTTTTTTAGGTCCCTTTGAAATCAATCAGACATGTCAGCTTTCAA[G>C]ATGAGGATGAGATTGTCAGAATAAACCCTCGAGATATCTTAATACGTCGCTATGCAGACT-3'
Protein context (NP_689807.1, residues 231-251): LKSIRHVSFQ[Asp241His]EDEIVRINPR

ClinVar aggregate classification (germline): Uncertain significance (1 of 4 stars; one submission).

Conditions:
Cardiovascular phenotype. Identifiers: MedGen CN230736.

Submission:

Ambry Genetics
Classification: Uncertain significance for Cardiovascular phenotype. Last evaluated: 2025-06-15. Review status: criteria provided, single submitter. Criteria: Ambry Variant Classification Scheme 2023. Collection method: clinical testing. Allele origin: germline.
Comment: The p.D241H variant (also known as c.721G>C), located in coding exon 7 of the SPRED1 gene, results from a G to C substitution at nucleotide position 721. The aspartic acid at codon 241 is replaced by histidine, an amino acid with similar properties. This amino acid position is conserved. In addition, this alteration is predicted to be deleterious by in silico analysis. Based on the available evidence, the clinical significance of this variant remains unclear.